The following is an entry in ClinVar:

ClinVar aggregate classification (germline): Likely pathogenic (1 of 4 stars; one submission).

Conditions:
Developmental delay with variable intellectual impairment and behavioral abnormalities. Identifiers: MedGen C5193092, MONDO:0032745, OMIM 618430.

Submission:

CGC Genetics, Unilabs
Classification: Likely pathogenic for Developmental delay with variable intellectual impairment and behavioral abnormalities. Last evaluated: 2025-11-10. Review status: criteria provided, single submitter. Criteria: ACMG Guidelines, 2015. Collection method: clinical testing. Allele origin: germline. Inheritance: Autosomal dominant inheritance. Affected: yes. Observed: 1 variant allele.
Comment: The NM_005650.4:c.4031del p.(Pro1344Hisfs*7) variant, detected in heterozygosity in the TCF20 gene (chr.22), has not been described in the literature nor reported in the gnomAD or ClinVar databases. It is a frameshift variant located in exon 2 (gene with 6 exons), which introduces a premature stop codon that is predicted to lead to the creation of a truncated protein and/or to a reduction of its expression due to mRNA degradation. With the information currently available, this variant should be classified as a likely pathogenic variant.

NM_001378418.1(TCF20):c.4031del (p.Pro1344fs)

Gene: TCF20 (transcription factor 20; minus strand). Cytogenetic location: 22q13.2.
Variant type: Deletion.
Coding change: c.4031del on transcript NM_001378418.1 (MANE Select); coding-DNA position 4031, one base deleted (C; older notation c.4031delC).
Protein change: p.Pro1344fs; shifts the reading frame from proline 1344.
Molecular consequence: frameshift variant.
Genome position (GRCh38, 1-based): chr22:42,211,275, G deleted on the plus strand (C on the coding strand, the reverse complement: TCF20 is on the minus strand); the first of 5 consecutive G bases (chr22:42,211,275-42,211,279); deleting any one gives the same sequence. VCF-style (leftmost placement, unchanged base first): chr22-42211274-TG-T. GRCh37 (hg19) VCF-style: chr22-42607280-TG-T.
Other names: c.4031del, p.Pro1344fs (NM_005650.4, NM_181492.3); short protein forms P1344fs.
Identifiers: ClinVar variation 4851590 (VCV004851590.1).
Genomic context (GRCh38, chr22:42,211,274, plus strand): 5'-AATATTTGGGGATGTAATCTTCTGAACTATAGCTTCCAATTTCAATCCCCGTCCTTTCCG[TG>T]GGGGCAGTATTTTGGTCTTAGCAGGGCTTGTGAGGGTAACAGCAGGGCAGTTTCTACTAT-3'